The following is an entry in ClinVar:

NM_018117.12(WDR11):c.1714G>T (p.Glu572Ter)

Gene: WDR11 (WD repeat domain 11; plus strand). Cytogenetic location: 10q26.12.
Variant type: single nucleotide variant.
Coding change: c.1714G>T on transcript NM_018117.12 (MANE Select); coding-DNA position 1714, G replaced by T.
Protein change: p.Glu572Ter; replaces glutamic acid 572 with a stop codon.
Molecular consequence: nonsense.
Genome position (GRCh38, 1-based): chr10:120,880,876, G>T. VCF-style: chr10-120880876-G-T. GRCh37 (hg19) VCF-style: chr10-122640388-G-T.
Other names: short protein forms E572*.
Identifiers: ClinVar variation 4993876 (VCV004993876.1).

ClinVar aggregate classification (germline): Likely pathogenic (1 of 4 stars; one submission).

Conditions:
WDR11-related disorder. Also called: WDR11-related condition.

Submission:

PreventionGenetics, part of Exact Sciences
Classification: Likely pathogenic for WDR11-related condition. Last evaluated: 2025-09-11. Review status: criteria provided, single submitter. Criteria: ACMG Guidelines, 2015. Collection method: clinical testing. Allele origin: germline.
Comment: The WDR11 c.1714G>T variant is predicted to result in premature protein termination (p.Glu572*). To our knowledge, this variant has not been reported in the literature or in a large population database (gnomAD), indicating this variant is rare. Nonsense variants in WDR11 are expected to be pathogenic. This variant is interpreted as likely pathogenic.